The following is an entry in ClinVar:

NM_198904.4(GABRG2):c.433del (p.Ile145fs)

Gene: GABRG2 (gamma-aminobutyric acid type A receptor subunit gamma2; plus strand). Cytogenetic location: 5q34.
Variant type: Deletion.
Coding change: c.433del on transcript NM_198904.4 (MANE Select); coding-DNA position 433, one base deleted (A; older notation c.433delA).
Protein change: p.Ile145fs; shifts the reading frame from isoleucine 145.
Molecular consequence: frameshift variant.
Genome position (GRCh38, 1-based): chr5:162,097,743, A deleted; the last of 4 consecutive A bases (chr5:162,097,740-162,097,743); deleting any one gives the same sequence. VCF-style (leftmost placement, unchanged base first): chr5-162097739-GA-G. GRCh37 (hg19) VCF-style: chr5-161524745-GA-G.
Other names: c.433del, p.Ile145fs (NM_000816.3, NM_001375340.1, NM_001375341.1 and 4 more transcripts); c.424del, p.Ile142fs (NM_001375339.1); c.367del, p.Ile123fs (NM_001375345.1, NM_001375346.1); c.346del, p.Ile116fs (NM_001375347.1); c.13del, p.Ile5fs (NM_001375348.1, NM_001375350.1); c.148del, p.Ile50fs (NM_001375349.1); short protein forms I116fs, I123fs, I142fs, I145fs, I50fs, I5fs.
Identifiers: ClinVar variation 3757084 (VCV003757084.2).

ClinVar aggregate classification (germline): Pathogenic (1 of 4 stars; one submission).

Conditions:
Febrile seizures, familial, 8 (FEB8). Also called: CONVULSIONS, FAMILIAL FEBRILE, 8. Identifiers: Orphanet 36387, MedGen C1969810, MONDO:0011891, OMIM 607681.
EPILEPSY, CHILDHOOD ABSENCE, SUSCEPTIBILITY TO, 2 (ECA2). Identifiers: Orphanet 64280, MedGen C1843244, OMIM 607681.

Submission:

Labcorp Genetics (formerly Invitae), Labcorp
Classification: Pathogenic for Febrile seizures, familial, 8; EPILEPSY, CHILDHOOD ABSENCE, SUSCEPTIBILITY TO, 2. Last evaluated: 2024-07-01. Review status: criteria provided, single submitter. Criteria: Invitae Variant Classification Sherloc (09022015). Collection method: clinical testing. Allele origin: germline.
Comment: This sequence change creates a premature translational stop signal (p.Ile145Serfs*26) in the GABRG2 gene. It is expected to result in an absent or disrupted protein product. Loss-of-function variants in GABRG2 are known to be pathogenic (PMID: 22539854, 22750526, 24407264). This variant is not present in population databases (gnomAD no frequency). This variant has not been reported in the literature in individuals affected with GABRG2-related conditions. For these reasons, this variant has been classified as Pathogenic.

Literature cited by the submitters: PubMed 22539854; PubMed 22750526; PubMed 24407264.